The following is an entry in ClinVar:

ClinVar aggregate classification (germline): Likely pathogenic (1 of 4 stars; one submission).

Conditions:
Cardiovascular phenotype. Identifiers: MedGen CN230736.

Submission:

Ambry Genetics
Classification: Likely pathogenic for Cardiovascular phenotype. Last evaluated: 2026-09-11. Review status: criteria provided, single submitter. Criteria: Ambry Variant Classification Scheme 2023. Collection method: clinical testing. Allele origin: germline.
Comment: The c.1575-1G>T intronic variant results from a G to T substitution one nucleotide before coding exon 13 of the DSP gene. This variant is considered to be rare based on population cohorts in the Genome Aggregation Database (gnomAD). This nucleotide position is highly conserved in available vertebrate species. In silico splice site analysis predicts that this alteration will weaken the native splice acceptor site and will result in the creation or strengthening of a novel splice acceptor site. Variants that disrupt the canonical splice site are expected to cause aberrant splicing, resulting in an abnormal protein or a transcript that is subject to nonsense-mediated mRNA decay. As such, this variant is classified as likely pathogenic.

NM_004415.4(DSP):c.1575-1G>T

Gene: DSP (desmoplakin; plus strand). Cytogenetic location: 6p24.3.
Variant type: single nucleotide variant.
Coding change: c.1575-1G>T on transcript NM_004415.4 (MANE Select); the canonical splice acceptor site of the intron before coding-DNA position 1575, G replaced by T.
Molecular consequence: splice acceptor variant.
Genome position (GRCh38, 1-based): chr6:7,570,436, G>T. VCF-style: chr6-7570436-G-T. GRCh37 (hg19) VCF-style: chr6-7570669-G-T.
Other names: c.1575-1G>T (NM_001319034.2, NM_001008844.3).
Identifiers: ClinVar variation 5035671 (VCV005035671.1).
Genomic context (GRCh38, chr6:7,570,436, plus strand): 5'-TCCCATTTGGGATGAAGTGTGAAAGCCTGGCTCTAGCATGTTTTCCCTTTGTGCCTCTTA[G>T]GATTGAGCAGTACTACGAAGCCATCTTGGCTCTGTGGAACCAGCTCTACATCAACATGAA-3'